The following is an entry in ClinVar:

ClinVar aggregate classification (germline): Uncertain significance. Review status: criteria provided, multiple submitters, no conflicts (2 of 4 stars). 3 submissions from 3 submitters: Uncertain significance (3). Last evaluated 2025-12-03.

Conditions:
Myofibrillar myopathy 5. Also called: FILAMINOPATHY, AUTOSOMAL DOMINANT; Filaminopathy (type). Identifiers: Orphanet 171445, MedGen C1836050, MONDO:0012289, OMIM 609524.
Distal myopathy with posterior leg and anterior hand involvement. Also called: WILLIAMS DISTAL MYOPATHY. Identifiers: Orphanet 63273, MedGen C3279722, MONDO:0013550, OMIM 614065.
Hypertrophic cardiomyopathy 26. Also called: Cardiomyopathy, familial hypertrophic, 26. Identifiers: Orphanet 75249, MedGen C4310749, MONDO:0014883, OMIM 617047.
Cardiovascular phenotype. Identifiers: MedGen CN230736.

Allele frequency attached by ClinVar (database versions not stated): gnomAD exomes 0.00001.
gnomAD v4.1: 8 of 1,613,962 alleles (0.0005%); highest among the groups gnomAD compares: Non-Finnish European, 0.00059%; no homozygotes.

Submissions (3):

Labcorp Genetics (formerly Invitae), Labcorp
Classification: Uncertain significance for Distal myopathy with posterior leg and anterior hand involvement; Myofibrillar myopathy 5; Hypertrophic cardiomyopathy 26. Last evaluated: 2025-12-03. Review status: criteria provided, single submitter. Criteria: Invitae Variant Classification Sherloc (09022015). Collection method: clinical testing. Allele origin: germline.
Comment: This sequence change replaces glycine, which is neutral and non-polar, with arginine, which is basic and polar, at codon 1020 of the FLNC protein (p.Gly1020Arg). This variant is not present in population databases (gnomAD no frequency). This variant has not been reported in the literature in individuals affected with FLNC-related conditions. ClinVar contains an entry for this variant (Variation ID: 1435092). Invitae Evidence Modeling of protein sequence and biophysical properties (such as structural, functional, and spatial information, amino acid conservation, physicochemical variation, residue mobility, and thermodynamic stability) has been performed for this missense variant. However, the output from this modeling did not meet the statistical confidence thresholds required to predict the impact of this variant on FLNC protein function. In summary, the available evidence is currently insufficient to determine the role of this variant in disease. Therefore, it has been classified as a Variant of Uncertain Significance.

Ambry Genetics
Classification: Uncertain significance for Cardiovascular phenotype. Last evaluated: 2024-02-25. Review status: criteria provided, single submitter. Criteria: Ambry Variant Classification Scheme 2023. Collection method: clinical testing. Allele origin: germline.
Comment: The p.G1020R variant (also known as c.3058G>A), located in coding exon 20 of the FLNC gene, results from a G to A substitution at nucleotide position 3058. The glycine at codon 1020 is replaced by arginine, an amino acid with dissimilar properties. This amino acid position is conserved. In addition, the in silico prediction for this alteration is inconclusive. Based on the available evidence, the clinical significance of this alteration remains unclear.

GeneDx
Classification: Uncertain significance. Last evaluated: 2023-02-10. Review status: criteria provided, single submitter. Criteria: GeneDx Variant Classification Process June 2021. Collection method: clinical testing. Allele origin: germline. Affected: yes.
Comment: Has not been previously published as pathogenic or benign to our knowledge; Not observed at significant frequency in large population cohorts (gnomAD); In silico analysis supports that this missense variant has a deleterious effect on protein structure/function

NM_001458.5(FLNC):c.3058G>A (p.Gly1020Arg)

Gene: FLNC (filamin C; plus strand). Cytogenetic location: 7q32.1.
Variant type: single nucleotide variant.
Coding change: c.3058G>A on transcript NM_001458.5 (MANE Select); coding-DNA position 3058, G replaced by A.
Protein change: p.Gly1020Arg; replaces glycine 1020 with arginine.
Molecular consequence: missense variant.
Genome position (GRCh38, 1-based): chr7:128,844,132, G>A. VCF-style: chr7-128844132-G-A. GRCh37 (hg19) VCF-style: chr7-128484186-G-A.
Other names: c.3058G>A, p.Gly1020Arg (NM_001127487.2); c.3058G>A (NM_001458.4); short protein forms G1020R.
Identifiers: ClinVar variation 1435092 (VCV001435092.10), dbSNP rs2128936185, ClinGen allele CA369194140.